The following is an entry in ClinVar:

ClinVar aggregate classification (germline): Uncertain significance. Review status: criteria provided, multiple submitters, no conflicts (2 of 4 stars). 2 submissions from 2 submitters: Uncertain significance (2). Last evaluated 2025-10-28.

Conditions:
Inborn genetic diseases. Identifiers: MedGen C0950123, MeSH D030342.

Allele frequency attached by ClinVar (database versions not stated): gnomAD 0.00001; gnomAD exomes 0.00001; TOPMed 0.00001.
gnomAD v4.1: 13 of 1,614,052 alleles (0.00081%); highest among the groups gnomAD compares: African/African-American, 0.0013%; no homozygotes.

Submissions (2):

Ambry Genetics
Classification: Uncertain significance for Inborn genetic diseases. Last evaluated: 2025-10-28. Review status: criteria provided, single submitter. Criteria: Ambry Variant Classification Scheme 2023. Collection method: clinical testing. Allele origin: germline.

GeneDx
Classification: Uncertain significance. Last evaluated: 2022-09-02. Review status: criteria provided, single submitter. Criteria: GeneDx Variant Classification Process June 2021. Collection method: clinical testing. Allele origin: germline. Affected: yes.
Comment: Not observed at significant frequency in large population cohorts (gnomAD); In silico analysis supports that this missense variant has a deleterious effect on protein structure/function; Has not been previously published as pathogenic or benign to our knowledge

NM_018060.4(IARS2):c.2632G>A (p.Ala878Thr)

Gene: IARS2 (isoleucyl-tRNA synthetase 2, mitochondrial; plus strand). Cytogenetic location: 1q41.
Variant type: single nucleotide variant.
Coding change: c.2632G>A on transcript NM_018060.4 (MANE Select); coding-DNA position 2632, G replaced by A.
Protein change: p.Ala878Thr; replaces alanine 878 with threonine.
Molecular consequence: missense variant.
Genome position (GRCh38, 1-based): chr1:220,143,015, G>A. VCF-style: chr1-220143015-G-A. GRCh37 (hg19) VCF-style: chr1-220316357-G-A.
Other names: short protein forms A878T.
Identifiers: ClinVar variation 2442436 (VCV002442436.2), dbSNP rs1041910674, ClinGen allele CA37531517.